The following is an entry in ClinVar:

NM_001278116.2(L1CAM):c.895C>A (p.Leu299Met)

Gene: L1CAM (L1 cell adhesion molecule; minus strand). Cytogenetic location: Xq28.
Variant type: single nucleotide variant.
Coding change: c.895C>A on transcript NM_001278116.2 (MANE Select); coding-DNA position 895, C replaced by A.
Protein change: p.Leu299Met; replaces leucine 299 with methionine.
Molecular consequence: missense variant.
Genome position (GRCh38, 1-based): chrX:153,870,152, G>T on the plus strand (C>A on the coding strand, the complement: L1CAM is on the minus strand). VCF-style: chrX-153870152-G-T. GRCh37 (hg19) VCF-style: chrX-153135607-G-T.
Other names: c.895C>A, p.Leu299Met (NM_000425.5, NM_024003.3); c.880C>A, p.Leu294Met (NM_001143963.2); short protein forms L294M, L299M.
Identifiers: ClinVar variation 2662983 (VCV002662983.1), dbSNP rs2064754669, ClinGen allele CA415132102.

ClinVar aggregate classification (germline): Uncertain significance (1 of 4 stars; one submission).

Allele frequency attached by ClinVar (database versions not stated): TOPMed 0.00001.

Submission:

GeneDx
Classification: Uncertain significance. Last evaluated: 2023-04-16. Review status: criteria provided, single submitter. Criteria: GeneDx Variant Classification Process June 2021. Collection method: clinical testing. Allele origin: germline. Affected: yes.
Comment: Not observed at significant frequency in large population cohorts (gnomAD); In silico analysis supports that this missense variant does not alter protein structure/function; Has not been previously published as pathogenic or benign to our knowledge; This variant is associated with the following publications: (PMID: 25641508)